The following is an entry in ClinVar:

ClinVar aggregate classification (germline): Uncertain significance (1 of 4 stars; one submission).

Allele frequency attached by ClinVar (database versions not stated): gnomAD 0.00001.
gnomAD v4.1: 1 of 1,581,990 alleles (0.000063%); highest among the groups gnomAD compares: African/African-American, 0.0013%; no homozygotes.

Submission:

Labcorp Genetics (formerly Invitae), Labcorp
Classification: Uncertain significance. Last evaluated: 2024-01-03. Review status: criteria provided, single submitter. Criteria: Invitae Variant Classification Sherloc (09022015). Collection method: clinical testing. Allele origin: germline.
Comment: This sequence change replaces glutamic acid, which is acidic and polar, with aspartic acid, which is acidic and polar, at codon 806 of the MSH3 protein (p.Glu806Asp). This variant is present in population databases (no rsID available, gnomAD 0.01%). This variant has not been reported in the literature in individuals affected with MSH3-related conditions. ClinVar contains an entry for this variant (Variation ID: 2010884). An algorithm developed to predict the effect of missense changes on protein structure and function (PolyPhen-2) suggests that this variant is likely to be disruptive. In summary, the available evidence is currently insufficient to determine the role of this variant in disease. Therefore, it has been classified as a Variant of Uncertain Significance.

NM_002439.5(MSH3):c.2418A>T (p.Glu806Asp)

Gene: MSH3 (mutS homolog 3; plus strand). Cytogenetic location: 5q14.1.
Variant type: single nucleotide variant.
Coding change: c.2418A>T on transcript NM_002439.5 (MANE Select); coding-DNA position 2418, A replaced by T.
Protein change: p.Glu806Asp; replaces glutamic acid 806 with aspartic acid.
Molecular consequence: missense variant.
Genome position (GRCh38, 1-based): chr5:80,778,819, A>T. VCF-style: chr5-80778819-A-T. GRCh37 (hg19) VCF-style: chr5-80074638-A-T.
Other names: short protein forms E806D.
Identifiers: ClinVar variation 2010884 (VCV002010884.4), dbSNP rs1298318722, ClinGen allele CA360281905.
Genomic context (GRCh38, chr5:80,778,819, plus strand): 5'-AGAAAATTACAGACATCTGAATCAGCTCCGGGAGCAGCTAGTCCTTGACTGCAGTGCTGA[A>T]TGGCTTGATTTTCTAGAGTGAGTTTACAATGAAAAAATATAATCTGACTTTTTGCTATCA-3'
Protein context (NP_002430.3, residues 796-816): REQLVLDCSA[Glu806Asp]WLDFLEKFSE